The following is an entry in ClinVar:

NM_014319.5(LEMD3):c.1514A>G (p.Glu505Gly)

Gene: LEMD3 (LEM domain containing 3; plus strand). Cytogenetic location: 12q14.3.
Variant type: single nucleotide variant.
Coding change: c.1514A>G on transcript NM_014319.5 (MANE Select); coding-DNA position 1514, A replaced by G.
Protein change: p.Glu505Gly; replaces glutamic acid 505 with glycine.
Molecular consequence: missense variant.
Genome position (GRCh38, 1-based): chr12:65,171,110, A>G. VCF-style: chr12-65171110-A-G. GRCh37 (hg19) VCF-style: chr12-65564890-A-G.
Other names: c.1514A>G, p.Glu505Gly (NM_001167614.2); short protein forms E505G.
Identifiers: ClinVar variation 4700031 (VCV004700031.1).

ClinVar aggregate classification (germline): Uncertain significance (1 of 4 stars; one submission).

gnomAD v4.1: 2 of 1,611,278 alleles (0.00012%); highest among the groups gnomAD compares: South Asian, 0.0011%; no homozygotes.

Submission:

Labcorp Genetics (formerly Invitae), Labcorp
Classification: Uncertain significance. Last evaluated: 2025-12-15. Review status: criteria provided, single submitter. Criteria: Invitae Variant Classification Sherloc (09022015). Collection method: clinical testing. Allele origin: germline.
Comment: This sequence change replaces glutamic acid, which is acidic and polar, with glycine, which is neutral and non-polar, at codon 505 of the LEMD3 protein (p.Glu505Gly). This variant is not present in population databases (gnomAD no frequency). This variant has not been reported in the literature in individuals affected with LEMD3-related conditions. Invitae Evidence Modeling of protein sequence and biophysical properties (such as structural, functional, and spatial information, amino acid conservation, physicochemical variation, residue mobility, and thermodynamic stability) indicates that this missense variant is not expected to disrupt LEMD3 protein function with a negative predictive value of 80%. In summary, the available evidence is currently insufficient to determine the role of this variant in disease. Therefore, it has been classified as a Variant of Uncertain Significance.